The following is an entry in ClinVar:

NM_152381.6(XIRP2):c.563-26147T>C

Gene: XIRP2 (xin actin binding repeat containing 2; plus strand). Cytogenetic location: 2q24.3.
Variant type: single nucleotide variant.
Coding change: c.563-26147T>C on transcript NM_152381.6 (MANE Select); 26147 bases into the intron before coding-DNA position 563, T replaced by C.
Molecular consequence: intron variant. On other transcripts: synonymous variant (1).
Genome position (GRCh38, 1-based): chr2:167,184,588, T>C. VCF-style: chr2-167184588-T-C. GRCh37 (hg19) VCF-style: chr2-168041098-T-C.
Other names: c.609T>C, p.His203= (NM_001199143.2); c.563-26147T>C (NM_001079810.4).
Identifiers: ClinVar variation 711348 (VCV000711348.6), dbSNP rs201741760, ClinGen allele CA1946205.

ClinVar aggregate classification (germline): Benign. Review status: criteria provided, multiple submitters, no conflicts (2 of 4 stars). 3 submissions from 3 submitters: Benign (2). 1 of the submissions does not count toward it. Last evaluated 2018-12-13.

Conditions:
XIRP2-related disorder. Also called: XIRP2-related condition.

Allele frequency attached by ClinVar (database versions not stated): ExAC 0.00023; gnomAD exomes 0.00029; 1000 Genomes Project 0.00040; gnomAD 0.00107 and 0.00116; 1000 Genomes Project 30x 0.00109; TOPMed 0.00124.
gnomAD v4.1: 277 of 717,534 alleles (0.039%); highest among the groups gnomAD compares: African/African-American, 0.32%; no homozygotes.

Submissions (3):

Labcorp Genetics (formerly Invitae), Labcorp
Classification: Benign. Last evaluated: 2018-12-13. Review status: criteria provided, single submitter. Criteria: Invitae Variant Classification Sherloc (09022015). Collection method: clinical testing. Allele origin: germline.

Breakthrough Genomics
Classification: Benign. Review status: criteria provided, single submitter. Criteria: ACMG Guidelines, 2015. Collection method: not provided. Allele origin: germline. Inheritance: Unknown mechanism. Affected: yes.

PreventionGenetics, part of Exact Sciences
Classification: Likely benign for XIRP2-related condition. Last evaluated: 2019-04-01. Review status: no assertion criteria provided. Collection method: clinical testing. Allele origin: germline. Not counted in ClinVar's aggregate classification.
Comment: This variant is classified as likely benign based on ACMG/AMP sequence variant interpretation guidelines (Richards et al. 2015 PMID: 25741868, with internal and published modifications).